The following is an entry in ClinVar:

NM_004519.4(KCNQ3):c.*2010T>A

Gene: KCNQ3 (potassium voltage-gated channel subfamily Q member 3; minus strand). Cytogenetic location: 8q24.22.
Variant type: single nucleotide variant.
Coding change: c.*2010T>A on transcript NM_004519.4 (MANE Select); 2010 bases downstream of the stop codon, T replaced by A.
Molecular consequence: 3 prime UTR variant.
Genome position (GRCh38, 1-based): chr8:132,127,252, A>T on the plus strand (T>A on the coding strand, the complement: KCNQ3 is on the minus strand). VCF-style: chr8-132127252-A-T. GRCh37 (hg19) VCF-style: chr8-133139499-A-T.
Other names: c.*2010T>A (NM_001204824.2).
Identifiers: ClinVar variation 361845 (VCV000361845.30), dbSNP rs139631143, ClinGen allele CA10627063.
Genomic context (GRCh38, chr8:132,127,252, plus strand): 5'-TGCCAGCATGTCAAATGGAAGCCCGTGGGGCTTCATGTCTGATGCATTGAGCATTCTGGT[A>T]TATTTCCCATCTCAGACTTCAAGGTCTACACCCATCCATTTATGGGGCTCTCCATAAAAA-3'

ClinVar aggregate classification (germline): Benign. Review status: criteria provided, multiple submitters, no conflicts (2 of 4 stars). 2 submissions from 2 submitters: Benign (2). Last evaluated 2022-06-01.

Conditions:
Seizures, benign familial neonatal, 2. Also called: CONVULSIONS, BENIGN FAMILIAL NEONATAL, 2; Benign Neonatal Epilepsy 2; Seizures, benign neonatal, 2; KCNQ3-Related Benign Familial Neonatal Epilepsy; KCNQ3-Related Self-Limited Familial Neonatal Epilepsy (SLFNE). Identifiers: Orphanet 1949, MedGen C1852581, MONDO:0007366, OMIM 121201.

Allele frequency attached by ClinVar (database versions not stated): gnomAD 0.00037 and 0.00042; TOPMed 0.00050; 1000 Genomes Project 0.00100.

Submissions (2):

CeGaT Center for Human Genetics Tuebingen
Classification: Benign. Last evaluated: 2022-06-01. Review status: criteria provided, single submitter. Criteria: CeGaT Center For Human Genetics Tuebingen Variant Classification Criteria Version 2. Collection method: clinical testing. Allele origin: germline. Affected: yes. Observed: 2 variant alleles.
Comment: KCNQ3: BS1, BS2

Illumina Laboratory Services, Illumina
Classification: Benign for Seizures, benign familial neonatal, 2. Last evaluated: 2018-01-13. Review status: criteria provided, single submitter. Criteria: ICSL Variant Classification Criteria 13 December 2019. Collection method: clinical testing. Allele origin: germline.
Comment: This variant was observed in the ICSL laboratory as part of a predisposition screen in an ostensibly healthy population. It had not been previously curated by ICSL or reported in the Human Gene Mutation Database (HGMD: prior to June 1st, 2018), and was therefore a candidate for classification through an automated scoring system. Utilizing variant allele frequency, disease prevalence and penetrance estimates, and inheritance mode, an automated score was calculated to assess if this variant is too frequent to cause the disease. Based on the score and internal cut-off values, a variant classified as benign is not then subjected to further curation. The score for this variant resulted in a classification of benign for this disease.